The following is an entry in ClinVar:

NM_001852.4(COL9A2):c.2059A>G (p.Lys687Glu)

Gene: COL9A2 (collagen type IX alpha 2 chain; minus strand). Cytogenetic location: 1p34.2.
Variant type: single nucleotide variant.
Coding change: c.2059A>G on transcript NM_001852.4 (MANE Select); coding-DNA position 2059, A replaced by G.
Protein change: p.Lys687Glu; replaces lysine 687 with glutamic acid.
Molecular consequence: missense variant.
Genome position (GRCh38, 1-based): chr1:40,301,193, T>C on the plus strand (A>G on the coding strand, the complement: COL9A2 is on the minus strand). VCF-style: chr1-40301193-T-C. GRCh37 (hg19) VCF-style: chr1-40766865-T-C.
Other names: short protein forms K687E.
Identifiers: ClinVar variation 417900 (VCV000417900.19), dbSNP rs201847956, ClinGen allele CA791246.

ClinVar aggregate classification (germline): Conflicting classifications of pathogenicity. Review status: criteria provided, conflicting classifications (1 of 4 stars). 7 submissions from 7 submitters: Uncertain significance (1); Likely benign (3). 3 of the submissions do not count toward it. Last evaluated 2026-01-26.

Conditions:
COL9A2-related disorder. Also called: COL9A2-related condition.
Intervertebral disc disorder (IDD). Also called: Lumbar disk degenerative disorder; INTERVERTEBRAL DISC DISEASE. Identifiers: MedGen C0158252, MONDO:0044339, OMIM 603932.
Epiphyseal dysplasia, multiple, 2 (EDM2). Also called: COL9A2-Related Multiple Epiphyseal Dysplasia. Identifiers: MedGen C1838429, MONDO:0010844, OMIM 600204.
Stickler syndrome, type 5 (STL5). Also called: COL9A2-Related Stickler Syndrome. Identifiers: Orphanet 250984, Orphanet 828, MedGen C3280342, MONDO:0013666, OMIM 614284.
Meniere disease. Also called: Ménière's disease. Identifiers: MedGen C0025281, MONDO:0007972, OMIM 156000.

Allele frequency attached by ClinVar (database versions not stated): gnomAD 0.00005 and 0.00006; gnomAD exomes 0.00006 and 0.00015; TOPMed 0.00006; ExAC 0.00015.
gnomAD v4.1: 112 of 1,613,458 alleles (0.0069%); highest among the groups gnomAD compares: African/African-American, 0.0013%; no homozygotes.

Submissions (7):

Labcorp Genetics (formerly Invitae), Labcorp
Classification: Likely benign. Last evaluated: 2026-01-26. Review status: criteria provided, single submitter. Criteria: Invitae Variant Classification Sherloc (09022015). Collection method: clinical testing. Allele origin: germline.

Women's Health and Genetics/Laboratory Corporation of America, LabCorp
Classification: Likely benign. Last evaluated: 2025-02-17. Review status: criteria provided, single submitter. Criteria: LabCorp Variant Classification Summary - May 2015. Collection method: clinical testing. Allele origin: germline.
Comment: Variant summary: COL9A2 c.2059A>G (p.Lys687Glu) results in a conservative amino acid change in the encoded protein sequence. Four of five in-silico tools predict a damaging effect of the variant on protein function. The variant allele was found at a frequency of 6.9e-05 in 1613458 control chromosomes, predominantly at a frequency of 0.0028 within the Ashkenazi Jewish subpopulation in the gnomAD database. The observed variant frequency within Ashkenazi Jewish control individuals in the gnomAD database exceeds the estimated maximal expected allele frequency for a pathogenic variant in COL9A2 causing COL9A2-related condiitons. c.2059A>G has been reported in the literature in at least one individual affected with hearing loss (e..g, Sheppard_2018). However, these report(s) do not provide unequivocal conclusions about association of the variant with COL9A2-related condiitons. To our knowledge, no experimental evidence demonstrating an impact on protein function has been reported. The following publication has been ascertained in the context of this evaluation (PMID: 29907799). ClinVar contains an entry for this variant (Variation ID: 417900). Based on the evidence outlined above, the variant was classified as likely benign.

GeneDx
Classification: Uncertain significance. Last evaluated: 2021-09-28. Review status: criteria provided, single submitter. Criteria: GeneDx Variant Classification Process June 2021. Collection method: clinical testing. Allele origin: germline. Affected: yes.
Comment: Has not been previously published as pathogenic or benign to our knowledge; In silico analysis supports that this missense variant does not alter protein structure/function; Reported in ClinVar (ClinVar Variant ID# 417900; Landrum et al., 2016)

Illumina Laboratory Services, Illumina
Classification: Likely benign for Epiphyseal dysplasia, multiple, 2. Last evaluated: 2018-01-13. Review status: criteria provided, single submitter. Criteria: ICSL Variant Classification Criteria 13 December 2019. Collection method: clinical testing. Allele origin: germline.
Comment: This variant was observed in the ICSL laboratory as part of a predisposition screen in an ostensibly healthy population. It had not been previously curated by ICSL or reported in the Human Gene Mutation Database (HGMD: prior to June 1st, 2018), and was therefore a candidate for classification through an automated scoring system. Utilizing variant allele frequency, disease prevalence and penetrance estimates, and inheritance mode, an automated score was calculated to assess if this variant is too frequent to cause the disease. Based on the score and internal cut-off values, a variant classified as likely benign is not then subjected to further curation. The score for this variant resulted in a classification of likely benign for this disease.

PreventionGenetics, part of Exact Sciences
Classification: Likely benign for COL9A2-related condition. Last evaluated: 2024-08-27. Review status: no assertion criteria provided. Collection method: clinical testing. Allele origin: germline. Not counted in ClinVar's aggregate classification.
Comment: This variant is classified as likely benign based on ACMG/AMP sequence variant interpretation guidelines (Richards et al. 2015 PMID: 25741868, with internal and published modifications).

Center for Computational Biology & Bioinformatics, University of California, San Diego
Classification: Uncertain significance for Meniere disease. Last evaluated: 2024-06-03. Review status: no assertion criteria provided. Collection method: research. Allele origin: germline. Affected: yes. Not counted in ClinVar's aggregate classification.

Division of Human Genetics, Children's Hospital of Philadelphia
Classification: Uncertain significance for Epiphyseal dysplasia, multiple, 2; Intervertebral disc disorder; Stickler syndrome, type 5. Last evaluated: 2015-10-26. Review status: no assertion criteria provided. Collection method: research. Allele origin: maternal. Affected: yes. Study: CSER-PediSeq. Not counted in ClinVar's aggregate classification.

Literature cited by the submitters: PubMed 29907799 (cited by Women's Health and Genetics/Laboratory Corporation of America, LabCorp).